The following is an entry in ClinVar:

NM_003721.4(RFXANK):c.271+1delinsTCAC

Gene: RFXANK (regulatory factor X associated ankyrin containing protein; plus strand). Cytogenetic location: 19p13.11.
Variant type: Indel.
Coding change: c.271+1delinsTCAC on transcript NM_003721.4 (MANE Select); the canonical splice donor site of the intron after coding-DNA position 271, G replaced by TCAC.
Molecular consequence: splice donor variant.
Genome position (GRCh38, 1-based): chr19:19,197,047, G replaced by TCAC. VCF-style: chr19-19197047-G-TCAC. GRCh37 (hg19) VCF-style: chr19-19307856-G-TCAC.
Other names: c.271+1delinsTCAC (NM_001278727.2, NM_001370238.1, NM_001370233.1 and 1 more transcripts); c.268+1delinsTCAC (NM_134440.3, NM_001370235.1, NM_001370237.1 and 2 more transcripts).
Identifiers: ClinVar variation 992971 (VCV000992971.2), dbSNP rs2060611603, ClinGen allele CA1139666382.

ClinVar aggregate classification (germline): Pathogenic. Review status: criteria provided, single submitter (1 of 4 stars). 2 submissions from 2 submitters: Pathogenic (1). 1 of the submissions does not count toward it. Last evaluated 2019-12-02.

Conditions:
MHC class II deficiency. Also called: Bare lymphocyte syndrome 2; BLS, TYPE II. Identifiers: Orphanet 572, MedGen C5447452, MONDO:0008855.

Submissions (2):

Baylor Genetics
Classification: Pathogenic for MHC class II deficiency 1. Last evaluated: 2019-12-02. Review status: criteria provided, single submitter. Criteria: ACMG Guidelines, 2015. Collection method: clinical testing. Allele origin: unknown. Affected: yes.
Comment: This variant was determined to be pathogenic according to ACMG Guidelines, 2015 [PMID:25741868].

Biochemical Molecular Genetic Laboratory, King Abdulaziz Medical City
Classification: Pathogenic for MHC class II deficiency 1. Last evaluated: 2020-08-07. Review status: no assertion criteria provided. Collection method: clinical testing. Allele origin: germline. Affected: yes. Not counted in ClinVar's aggregate classification.